The following is an entry in ClinVar:

ClinVar aggregate classification (germline): Uncertain significance. Review status: criteria provided, multiple submitters, no conflicts (2 of 4 stars). 3 submissions from 3 submitters: Uncertain significance (3). Last evaluated 2025-12-22.

Allele frequency attached by ClinVar (database versions not stated): gnomAD 0.00005; TOPMed 0.00005; gnomAD exomes 0.00011.
gnomAD v4.1: 167 of 1,614,032 alleles (0.01%); highest among the groups gnomAD compares: Non-Finnish European, 0.011%; no homozygotes.

Submissions (3):

Labcorp Genetics (formerly Invitae), Labcorp
Classification: Uncertain significance. Last evaluated: 2025-12-22. Review status: criteria provided, single submitter. Criteria: Invitae Variant Classification Sherloc (09022015). Collection method: clinical testing. Allele origin: germline.
Comment: This sequence change replaces aspartic acid, which is acidic and polar, with asparagine, which is neutral and polar, at codon 826 of the HYOU1 protein (p.Asp826Asn). This variant is present in population databases (rs781809135, gnomAD 0.05%). This variant has not been reported in the literature in individuals affected with HYOU1-related conditions. ClinVar contains an entry for this variant (Variation ID: 2068291). Experimental studies and prediction algorithms are not available or were not evaluated, and the functional significance of this variant is currently unknown. In summary, the available evidence is currently insufficient to determine the role of this variant in disease. Therefore, it has been classified as a Variant of Uncertain Significance.

Ambry Genetics
Classification: Uncertain significance. Last evaluated: 2025-05-16. Review status: criteria provided, single submitter. Criteria: Ambry Variant Classification Scheme 2023. Collection method: clinical testing. Allele origin: germline.

Blueprint Genetics
Classification: Uncertain significance. Last evaluated: 2020-12-01. Review status: criteria provided, single submitter. Criteria: ACMG Guidelines, 2015. Collection method: clinical testing. Allele origin: germline.

NM_006389.5(HYOU1):c.2476G>A (p.Asp826Asn)

Gene: HYOU1 (hypoxia up-regulated 1; minus strand). Cytogenetic location: 11q23.3.
Variant type: single nucleotide variant.
Coding change: c.2476G>A on transcript NM_006389.5 (MANE Select); coding-DNA position 2476, G replaced by A.
Protein change: p.Asp826Asn; replaces aspartic acid 826 with asparagine.
Molecular consequence: missense variant.
Genome position (GRCh38, 1-based): chr11:119,047,981, C>T on the plus strand (G>A on the coding strand, the complement: HYOU1 is on the minus strand). VCF-style: chr11-119047981-C-T. GRCh37 (hg19) VCF-style: chr11-118918693-C-T.
Other names: c.2476G>A, p.Asp826Asn (NM_001130991.3, NM_001411041.1); c.2476G>A (NM_006389.3); short protein forms D826N.
Identifiers: ClinVar variation 2068291 (VCV002068291.6), dbSNP rs781809135, ClinGen allele CA229618128.
Genomic context (GRCh38, chr11:119,047,981, plus strand): 5'-GCAAAAAGGGTTCAGGGGCTGCTCACTTGAGGAACATGCTGGAATGGTTGAGGAGATTAT[C>T]GAGGGCAGACAGCCGTTCGGGCCACTTCTTGCGCTCCTCTACCCGAAAAAACAGCCCTTG-3'
Protein context (NP_006380.1, residues 816-836): KKWPERLSAL[Asp826Asn]NLLNHSSMFL